The following is an entry in ClinVar:

NM_001018005.2(TPM1):c.115-275A>T

Gene: TPM1 (tropomyosin 1; plus strand). Cytogenetic location: 15q22.2.
Variant type: single nucleotide variant.
Coding change: c.115-275A>T on transcript NM_001018005.2 (MANE Select); 275 bases into the intron before coding-DNA position 115, A replaced by T.
Molecular consequence: intron variant. On other transcripts: missense variant (4).
Genome position (GRCh38, 1-based): chr15:63,043,752, A>T. VCF-style: chr15-63043752-A-T. GRCh37 (hg19) VCF-style: chr15-63335951-A-T.
Other names: p.E54V:GAG>GTG; c.161A>T (NM_001018007.1); c.161A>T, p.Glu54Val (NM_001018007.2, NM_001018020.2, NM_001301244.2 and 1 more transcripts); c.115-275A>T (NM_001018006.2, NM_001365776.1, NM_001018004.2 and 3 more transcripts); short protein forms E54V.
Identifiers: ClinVar variation 181659 (VCV000181659.8), dbSNP rs730881132, ClinGen allele CA018617.

ClinVar aggregate classification (germline): Conflicting classifications of pathogenicity. Review status: criteria provided, conflicting classifications (1 of 4 stars). 3 submissions from 3 submitters: Uncertain significance (2); Likely benign (1). Last evaluated 2026-09-21.

Conditions:
Cardiovascular phenotype. Identifiers: MedGen CN230736.
Cardiomyopathy (CMYO). Also called: Cardiomyopathies. Identifiers: Orphanet 167848, MedGen C0878544, MONDO:0004994, HP:0001638. Inheritance: Various modes of inheritance.

Allele frequency attached by ClinVar (database versions not stated): gnomAD exomes 0.00002 and 0.00001; TOPMed 0.00002; gnomAD 0.00001.
gnomAD v4.1: 27 of 1,549,656 alleles (0.0017%); highest among the groups gnomAD compares: Non-Finnish European, 0.0021%; no homozygotes.

Submissions (3):

Molecular Diagnostic Laboratory for Inherited Cardiovascular Disease, Montreal Heart Institute
Classification: Uncertain significance for Cardiovascular phenotype. Last evaluated: 2026-09-21. Review status: criteria provided, single submitter. Criteria: ACMG Guidelines, 2015. Collection method: clinical testing. Allele origin: germline. Affected: yes.
Comment: PP2

GeneDx
Classification: Uncertain significance. Last evaluated: 2022-09-28. Review status: criteria provided, single submitter. Criteria: GeneDx Variant Classification Process June 2021. Collection method: clinical testing. Allele origin: germline. Affected: yes.
Comment: Variant present in an alternate transcript, NM_001018020.1; Has not been previously published as pathogenic or benign to our knowledge; Not observed at significant frequency in large population cohorts (gnomAD); In silico analysis supports that this missense variant has a deleterious effect on protein structure/function

Color Diagnostics, LLC DBA Color Health
Classification: Likely benign for Cardiomyopathy. Last evaluated: 2019-08-15. Review status: criteria provided, single submitter. Criteria: ACMG Guidelines, 2015. Collection method: clinical testing. Allele origin: germline.